The following is an entry in ClinVar:

NM_015001.3(SPEN):c.7298C>T (p.Pro2433Leu)

Gene: SPEN (spen family transcriptional repressor; plus strand). Cytogenetic location: 1p36.13.
Variant type: single nucleotide variant.
Coding change: c.7298C>T on transcript NM_015001.3 (MANE Select); coding-DNA position 7298, C replaced by T.
Protein change: p.Pro2433Leu; replaces proline 2433 with leucine.
Molecular consequence: missense variant.
Genome position (GRCh38, 1-based): chr1:15,933,538, C>T. VCF-style: chr1-15933538-C-T. GRCh37 (hg19) VCF-style: chr1-16260033-C-T.
Other names: short protein forms P2433L.
Identifiers: ClinVar variation 3257053 (VCV003257053.17).

ClinVar aggregate classification (germline): Likely benign (1 of 4 stars; one submission).

gnomAD v4.1: 17 of 1,613,972 alleles (0.0011%); highest among the groups gnomAD compares: East Asian, 0.018%; no homozygotes.

Submission:

CeGaT Center for Human Genetics Tuebingen
Classification: Likely benign. Last evaluated: 2024-07-01. Review status: criteria provided, single submitter. Criteria: CeGaT Center For Human Genetics Tuebingen Variant Classification Criteria Version 2. Collection method: clinical testing. Allele origin: germline. Affected: yes. Observed: 1 variant allele.
Comment: SPEN: BP4, BS2